The following is an entry in ClinVar:

NM_016938.5(EFEMP2):c.157C>G (p.Arg53Gly)

Gene: EFEMP2 (EGF containing fibulin extracellular matrix protein 2; minus strand). Cytogenetic location: 11q13.1.
Variant type: single nucleotide variant.
Coding change: c.157C>G on transcript NM_016938.5 (MANE Select); coding-DNA position 157, C replaced by G.
Protein change: p.Arg53Gly; replaces arginine 53 with glycine.
Molecular consequence: missense variant. On other transcripts: non-coding transcript variant (1).
Genome position (GRCh38, 1-based): chr11:65,871,973, G>C on the plus strand (C>G on the coding strand, the complement: EFEMP2 is on the minus strand). VCF-style: chr11-65871973-G-C. GRCh37 (hg19) VCF-style: chr11-65639444-G-C.
Other names: short protein forms R53G.
Identifiers: ClinVar variation 1309128 (VCV001309128.2), dbSNP rs936904481, ClinGen allele CA223979038.

ClinVar aggregate classification (germline): Uncertain significance (1 of 4 stars; one submission).

Allele frequency attached by ClinVar (database versions not stated): gnomAD 0.00001.

Submission:

GeneDx
Classification: Uncertain significance. Last evaluated: 2019-10-07. Review status: criteria provided, single submitter. Criteria: GeneDx Variant Classification Process June 2021. Collection method: clinical testing. Allele origin: germline. Affected: yes.
Comment: Not observed in large population cohorts (Lek et al., 2016); In silico analysis, which includes protein predictors and evolutionary conservation, supports a deleterious effect; Has not been previously published as pathogenic or benign to our knowledge